The following is an entry in ClinVar:

NM_006767.4(LZTR1):c.333T>G (p.Thr111=)

Gene: LZTR1 (leucine zipper like post translational regulator 1; plus strand). Cytogenetic location: 22q11.21.
Variant type: single nucleotide variant.
Coding change: c.333T>G on transcript NM_006767.4 (MANE Select); coding-DNA position 333, T replaced by G.
Protein change: p.Thr111=; no amino-acid change (threonine 111 retained).
Molecular consequence: synonymous variant.
Genome position (GRCh38, 1-based): chr22:20,987,516, T>G. VCF-style: chr22-20987516-T-G. GRCh37 (hg19) VCF-style: chr22-21341805-T-G.
Identifiers: ClinVar variation 1730409 (VCV001730409.5), dbSNP rs1601716920, ClinGen allele CA513489119.

ClinVar aggregate classification (germline): Conflicting classifications of pathogenicity. Review status: criteria provided, conflicting classifications (1 of 4 stars). 2 submissions from 2 submitters: Uncertain significance (1); Likely benign (1). Last evaluated 2025-08-09.

Conditions:
Hereditary cancer-predisposing syndrome. Also called: Neoplastic Syndromes, Hereditary; Tumor predisposition; Hereditary Cancer Syndrome; Hereditary neoplastic syndrome. Identifiers: Orphanet 140162, MedGen C0027672, MeSH D009386, MONDO:0015356.
Cardiovascular phenotype. Identifiers: MedGen CN230736.

Allele frequency attached by ClinVar (database versions not stated): gnomAD exomes below 0.00001.

Submissions (2):

Labcorp Genetics (formerly Invitae), Labcorp
Classification: Likely benign. Last evaluated: 2025-08-09. Review status: criteria provided, single submitter. Criteria: Invitae Variant Classification Sherloc (09022015). Collection method: clinical testing. Allele origin: germline.

Ambry Genetics
Classification: Uncertain significance for Cardiovascular phenotype; Hereditary cancer-predisposing syndrome. Last evaluated: 2023-02-13. Review status: criteria provided, single submitter. Criteria: Ambry Variant Classification Scheme 2023. Collection method: clinical testing. Allele origin: germline.
Comment: The c.333T>G variant (also known as p.T111T), located in coding exon 4 of the LZTR1 gene, results from a T to G substitution at nucleotide position 333. This nucleotide substitution does not change the threonine at codon 111. This nucleotide position is poorly conserved in available vertebrate species. In silico splice site analysis predicts that this alteration will not have any significant effect on splicing. However, RNA studies have demonstrated that this alteration may result in an incomplete splice defect; the clinical impact of this abnormal splicing is unknown at this time (Ambry internal data). Since supporting evidence is limited at this time, the clinical significance of this alteration remains unclear.